The following is an entry in ClinVar:

NM_001130823.3(DNMT1):c.4828C>T (p.Leu1610Phe)

Gene: DNMT1 (DNA methyltransferase 1; minus strand). Cytogenetic location: 19p13.2.
Variant type: single nucleotide variant.
Coding change: c.4828C>T on transcript NM_001130823.3 (MANE Select); coding-DNA position 4828, C replaced by T.
Protein change: p.Leu1610Phe; replaces leucine 1610 with phenylalanine.
Molecular consequence: missense variant.
Genome position (GRCh38, 1-based): chr19:10,134,253, G>A on the plus strand (C>T on the coding strand, the complement: DNMT1 is on the minus strand). VCF-style: chr19-10134253-G-A. GRCh37 (hg19) VCF-style: chr19-10244929-G-A.
Other names: c.4789C>T, p.Leu1597Phe (NM_001318730.2); c.4465C>T, p.Leu1489Phe (NM_001318731.2); c.4780C>T, p.Leu1594Phe (NM_001379.4); short protein forms L1489F, L1594F, L1597F, L1610F.
Identifiers: ClinVar variation 1716326 (VCV001716326.5), dbSNP rs2513760585, ClinGen allele CA403967292.

ClinVar aggregate classification (germline): Uncertain significance (1 of 4 stars; one submission).

Conditions:
Hereditary sensory neuropathy-deafness-dementia syndrome. Also called: NEUROPATHY, HEREDITARY SENSORY, WITH HEARING LOSS AND DEMENTIA; HSN IE; Hereditary sensory neuropathy type IE; Hereditary Sensory and Autonomic Neuropathy Type 1E (HSAN1E). Identifiers: Orphanet 456318, MedGen C3279885, MONDO:0013584, OMIM 614116.

gnomAD v4.1: 1 of 1,614,176 alleles (0.000062%); highest among the groups gnomAD compares: Non-Finnish European, 0.000085%; no homozygotes.

Submission:

Labcorp Genetics (formerly Invitae), Labcorp
Classification: Uncertain significance for Hereditary sensory neuropathy-deafness-dementia syndrome. Last evaluated: 2022-08-13. Review status: criteria provided, single submitter. Criteria: Invitae Variant Classification Sherloc (09022015). Collection method: clinical testing. Allele origin: germline.
Comment: In summary, the available evidence is currently insufficient to determine the role of this variant in disease. Therefore, it has been classified as a Variant of Uncertain Significance. Algorithms developed to predict the effect of missense changes on protein structure and function are either unavailable or do not agree on the potential impact of this missense change (SIFT: "Deleterious"; PolyPhen-2: "Benign"; Align-GVGD: "Class C0"). This variant has not been reported in the literature in individuals affected with DNMT1-related conditions. This variant is not present in population databases (gnomAD no frequency). This sequence change replaces leucine, which is neutral and non-polar, with phenylalanine, which is neutral and non-polar, at codon 1610 of the DNMT1 protein (p.Leu1610Phe).